The following is an entry in ClinVar:

NM_182493.3(MYLK3):c.1568+7G>A

Gene: MYLK3 (myosin light chain kinase 3; minus strand). Cytogenetic location: 16q11.2.
Variant type: single nucleotide variant.
Coding change: c.1568+7G>A on transcript NM_182493.3 (MANE Select); 7 bases into the intron after coding-DNA position 1568, G replaced by A.
Molecular consequence: intron variant.
Genome position (GRCh38, 1-based): chr16:46,730,586, C>T on the plus strand (G>A on the coding strand, the complement: MYLK3 is on the minus strand). VCF-style: chr16-46730586-C-T. GRCh37 (hg19) VCF-style: chr16-46764498-C-T.
Other names: c.545+7G>A (NM_001308301.1).
Identifiers: ClinVar variation 2766755 (VCV002766755.3), dbSNP rs2548905121, ClinGen allele CA2633007197.

ClinVar aggregate classification (germline): Uncertain significance (1 of 4 stars; one submission).

Allele frequency attached by ClinVar (database versions not stated): gnomAD exomes below 0.00001.
gnomAD v4.1: 3 of 1,613,140 alleles (0.00019%); highest among the groups gnomAD compares: South Asian, 0.0011%; no homozygotes.

Submission:

Labcorp Genetics (formerly Invitae), Labcorp
Classification: Uncertain significance. Last evaluated: 2023-11-18. Review status: criteria provided, single submitter. Criteria: Invitae Variant Classification Sherloc (09022015). Collection method: clinical testing. Allele origin: germline.
Comment: This sequence change falls in intron 5 of the MYLK3 gene. It does not directly change the encoded amino acid sequence of the MYLK3 protein. This variant is not present in population databases (gnomAD no frequency). This variant has not been reported in the literature in individuals affected with MYLK3-related conditions. Algorithms developed to predict the effect of sequence changes on RNA splicing suggest that this variant may create or strengthen a splice site. In summary, the available evidence is currently insufficient to determine the role of this variant in disease. Therefore, it has been classified as a Variant of Uncertain Significance.